The following is an entry in ClinVar:

NM_003919.3(SGCE):c.214C>T (p.Pro72Ser)

Genes: CASD1 (CAS1 domain sialic acid O acetyltransferase 1; plus strand), SGCE (sarcoglycan epsilon; minus strand). Cytogenetic location: 7q21.3.
Variant type: single nucleotide variant.
Coding change: c.214C>T on transcript NM_003919.3 (MANE Select); coding-DNA position 214, C replaced by T.
Protein change: p.Pro72Ser; replaces proline 72 with serine.
Molecular consequence: missense variant. On other transcripts: 5 prime UTR variant (2), intron variant (2).
Genome position (GRCh38, 1-based): chr7:94,629,737, G>A on the plus strand (C>T on the coding strand, the complement: SGCE is on the minus strand). VCF-style: chr7-94629737-G-A. GRCh37 (hg19) VCF-style: chr7-94259049-G-A.
Other names: c.214C>T, p.Pro72Ser (NM_001099400.2, NM_001099401.2, NM_001346717.2); c.322C>T, p.Pro108Ser (NM_001346713.2, NM_001346715.2); c.127C>T, p.Pro43Ser (NM_001346719.2, NM_001362807.2); c.-60C>T (NM_001346720.2, NM_001362808.2); c.110-1378C>T (NM_001362809.2, NM_001301139.2); short protein forms P43S, P72S, P108S.
Identifiers: ClinVar variation 4711568 (VCV004711568.1).

ClinVar aggregate classification (germline): Uncertain significance (1 of 4 stars; one submission).

Conditions:
Myoclonic dystonia 11 (DYT11). Also called: Myoclonic dystonia; Dystonia 11; Dystonia, alcohol responsive; Hereditary essential myoclonus; SGCE Myoclonus-Dystonia; Myoclonus-Dystonia. Identifiers: Orphanet 36899, MedGen C1834570, MONDO:0008044, OMIM 159900.

gnomAD v4.1: 1 of 1,611,094 alleles (0.000062%); highest among the groups gnomAD compares: South Asian, 0.0011%; no homozygotes.

Submission:

Labcorp Genetics (formerly Invitae), Labcorp
Classification: Uncertain significance for Myoclonic dystonia 11. Last evaluated: 2026-01-03. Review status: criteria provided, single submitter. Criteria: Invitae Variant Classification Sherloc (09022015). Collection method: clinical testing. Allele origin: germline.
Comment: This sequence change replaces proline, which is neutral and non-polar, with serine, which is neutral and polar, at codon 72 of the SGCE protein (p.Pro72Ser). This variant is not present in population databases (gnomAD no frequency). This variant has not been reported in the literature in individuals affected with SGCE-related conditions. Invitae Evidence Modeling of protein sequence and biophysical properties (such as structural, functional, and spatial information, amino acid conservation, physicochemical variation, residue mobility, and thermodynamic stability) indicates that this missense variant is not expected to disrupt SGCE protein function with a negative predictive value of 80%. In summary, the available evidence is currently insufficient to determine the role of this variant in disease. Therefore, it has been classified as a Variant of Uncertain Significance.